The following is an entry in ClinVar:

ClinVar aggregate classification (germline): Uncertain significance. Review status: criteria provided, multiple submitters, no conflicts (2 of 4 stars). 3 submissions from 3 submitters: Uncertain significance (3). Last evaluated 2025-12-21.

Conditions:
Hereditary cancer-predisposing syndrome. Also called: Neoplastic Syndromes, Hereditary; Hereditary neoplastic syndrome; Tumor predisposition; Hereditary Cancer Syndrome. Identifiers: Orphanet 140162, MedGen C0027672, MeSH D009386, MONDO:0015356.

Submissions (3):

Ambry Genetics
Classification: Uncertain significance for Hereditary cancer-predisposing syndrome. Last evaluated: 2025-12-21. Review status: criteria provided, single submitter. Criteria: Ambry Variant Classification Scheme 2023. Collection method: clinical testing. Allele origin: germline.
Comment: The p.M9K variant (also known as c.26T>A), located in coding exon 1 of the NTHL1 gene, results from a T to A substitution at nucleotide position 26. The methionine at codon 9 is replaced by lysine, an amino acid with similar properties. This amino acid position is conserved. In addition, this alteration is predicted to be tolerated by in silico analysis. Since supporting evidence is limited at this time, the clinical significance of this alteration remains unclear.

Labcorp Genetics (formerly Invitae), Labcorp
Classification: Uncertain significance. Last evaluated: 2025-11-05. Review status: criteria provided, single submitter. Criteria: Invitae Variant Classification Sherloc (09022015). Collection method: clinical testing. Allele origin: germline.
Comment: This sequence change replaces methionine, which is neutral and non-polar, with lysine, which is basic and polar, at codon 9 of the NTHL1 protein (p.Met9Lys). This variant is not present in population databases (gnomAD no frequency). This variant has not been reported in the literature in individuals affected with NTHL1-related conditions. ClinVar contains an entry for this variant (Variation ID: 656246). An algorithm developed to predict the effect of missense changes on protein structure and function (PolyPhen-2) suggests that this variant is likely to be tolerated. In summary, the available evidence is currently insufficient to determine the role of this variant in disease. Therefore, it has been classified as a Variant of Uncertain Significance.

GeneDx
Classification: Uncertain significance. Last evaluated: 2023-07-07. Review status: criteria provided, single submitter. Criteria: GeneDx Variant Classification Process June 2021. Collection method: clinical testing. Allele origin: germline. Affected: yes.
Comment: Not observed at significant frequency in large population cohorts (gnomAD); In silico analysis supports that this missense variant does not alter protein structure/function; Has not been previously published as pathogenic or benign to our knowledge

NM_002528.7(NTHL1):c.2T>A (p.Met1Lys)

Gene: NTHL1 (nth like DNA glycosylase 1; minus strand). Cytogenetic location: 16p13.3.
Variant type: single nucleotide variant.
Coding change: c.2T>A on transcript NM_002528.7 (MANE Select); coding-DNA position 2, T replaced by A.
Protein change: p.Met1Lys; changes the start codon (methionine 1).
Molecular consequence: missense variant, initiator codon variant. On other transcripts: 5 prime UTR variant (1).
Genome position (GRCh38, 1-based): chr16:2,047,822, A>T on the plus strand (T>A on the coding strand, the complement: NTHL1 is on the minus strand). VCF-style: chr16-2047822-A-T. GRCh37 (hg19) VCF-style: chr16-2097823-A-T.
Other names: c.26T>A (NM_002528.5); c.2T>A, p.Met1Lys (NM_001318193.2, LRG_1366t1); c.-177T>A (NM_001318194.2); short protein forms M1K.
Identifiers: ClinVar variation 656246 (VCV000656246.14), dbSNP rs764604281, ClinGen allele CA394298737.